The following is an entry in ClinVar:

ClinVar aggregate classification (germline): Pathogenic/Likely pathogenic. Review status: criteria provided, multiple submitters, no conflicts (2 of 4 stars). 3 submissions from 3 submitters: Pathogenic (2); Likely pathogenic (1). Last evaluated 2025-12-27.

Conditions:
USH1G-related disorder. Also called: USH1G-related condition; USH1G-related disorders.

gnomAD v4.1: 3 of 1,612,724 alleles (0.00019%); highest among the groups gnomAD compares: Non-Finnish European, 0.00017%; no homozygotes.

Submissions (3):

Labcorp Genetics (formerly Invitae), Labcorp
Classification: Pathogenic. Last evaluated: 2025-12-27. Review status: criteria provided, single submitter. Criteria: Invitae Variant Classification Sherloc (09022015). Collection method: clinical testing. Allele origin: germline.
Comment: This sequence change creates a premature translational stop signal (p.Glu388*) in the USH1G gene. It is expected to result in an absent or disrupted protein product. Loss-of-function variants in USH1G are known to be pathogenic (PMID: 12588794, 22219650). This variant is present in population databases (rs746328214, gnomAD 0.002%). This premature translational stop signal has been observed in individual(s) with deafness (PMID: 37893031). ClinVar contains an entry for this variant (Variation ID: 3342863). For these reasons, this variant has been classified as Pathogenic.

GeneDx
Classification: Pathogenic. Last evaluated: 2024-03-15. Review status: criteria provided, single submitter. Criteria: GeneDx Variant Classification Process June 2021. Collection method: clinical testing. Allele origin: germline. Affected: yes.
Comment: Reported in the heterozygous state in a patient with hearing loss who also harbored a variant in the ADGRV1 gene, their affected sibling also carried both variants (PMID: 37893031); Nonsense variant predicted to result in protein truncation or nonsense mediated decay in a gene for which loss of function is a known mechanism of disease; Not observed at significant frequency in large population cohorts (gnomAD); This variant is associated with the following publications: (PMID: 31964843, 37893031)

Blueprint Genetics
Classification: Likely pathogenic for USH1G-related disorders. Last evaluated: 2022-11-18. Review status: criteria provided, single submitter. Criteria: ACMG Guidelines, 2015. Collection method: clinical testing. Allele origin: germline. Affected: yes. Observed: 2 variant alleles.

Literature cited by the submitters: PubMed 12588794 (cited by Labcorp Genetics (formerly Invitae), Labcorp); PubMed 22219650 (cited by Labcorp Genetics (formerly Invitae), Labcorp); PubMed 37893031 (cited by Labcorp Genetics (formerly Invitae), Labcorp).

NM_173477.5(USH1G):c.1162G>T (p.Glu388Ter)

Gene: USH1G (USH1 protein network component sans; minus strand). Cytogenetic location: 17q25.1.
Variant type: single nucleotide variant.
Coding change: c.1162G>T on transcript NM_173477.5 (MANE Select); coding-DNA position 1162, G replaced by T.
Protein change: p.Glu388Ter; replaces glutamic acid 388 with a stop codon.
Molecular consequence: nonsense.
Genome position (GRCh38, 1-based): chr17:74,919,674, C>A on the plus strand (G>T on the coding strand, the complement: USH1G is on the minus strand). VCF-style: chr17-74919674-C-A. GRCh37 (hg19) VCF-style: chr17-72915769-C-A.
Other names: c.853G>T, p.Glu285Ter (NM_001282489.3); short protein forms E285*, E388*.
Identifiers: ClinVar variation 3342863 (VCV003342863.4).